The following is an entry in ClinVar:

NM_007294.4(BRCA1):c.5153-22G>T

Gene: BRCA1 (BRCA1 DNA repair associated; minus strand). Cytogenetic location: 17q21.31.
Variant type: single nucleotide variant.
Coding change: c.5153-22G>T on transcript NM_007294.4 (MANE Select); 22 bases into the intron before coding-DNA position 5153, G replaced by T.
Molecular consequence: intron variant.
Genome position (GRCh38, 1-based): chr17:43,063,395, C>A on the plus strand (G>T on the coding strand, the complement: BRCA1 is on the minus strand). VCF-style: chr17-43063395-C-A. GRCh37 (hg19) VCF-style: chr17-41215412-C-A.
Other names: c.1700-22G>T (NM_001408458.1, NM_001408461.1, NM_001408464.1 and 7 more transcripts); c.4262-22G>T (NM_001407967.1); c.4772-22G>T (NM_001407959.1); c.4886-22G>T (NM_001407931.1, NM_001407932.1, NM_001407928.1 and 4 more transcripts); c.5009-22G>T (NM_001407747.1, NM_001407745.1, NM_001407737.1 and 21 more transcripts); c.4769-22G>T (NM_001407962.1, NM_001407960.1); c.1340-22G>T (NM_001408512.1); c.1463-22G>T (NM_001408510.1); and 72 more.
Identifiers: ClinVar variation 865045 (VCV000865045.3), dbSNP rs2051877698, ClinGen allele CA916080094.

Conditions:
Breast-ovarian cancer, familial, susceptibility to, 1 (BROVCA1). Also called: BRCA1 Hereditary Breast and Ovarian Cancer; OVARIAN CANCER, SUSCEPTIBILITY TO. Identifiers: Orphanet 145, MedGen C2676676, MONDO:0011450, OMIM 604370. Disease mechanism: loss of function.

Submission:

Brotman Baty Institute, University of Washington
No classification provided (evidence only). Condition: Breast-ovarian cancer, familial 1. Review status: no classification provided. Collection method: in vitro. Allele origin: not applicable. Functional consequence: functionally_normal.
ClinVar note: "not provided" was previously submitted as the classification for the variant. However, the classification appeared to be based only on an observation of functional data so it was converted to no classification on 2025-07-30.